The following is an entry in ClinVar:

ClinVar aggregate classification (germline): Pathogenic/Likely pathogenic. Review status: criteria provided, multiple submitters, no conflicts (2 of 4 stars). 3 submissions from 3 submitters: Pathogenic (1); Likely pathogenic (2). Last evaluated 2025-12-16.

Conditions:
Pulmonary fibrosis and/or bone marrow failure, Telomere-related, 3. Also called: PULMONARY FIBROSIS AND/OR BONE MARROW FAILURE SYNDROME, TELOMERE-RELATED, 3. Identifiers: Orphanet 2032, MedGen C4225346, MONDO:0014613, OMIM 616373.
Dyskeratosis congenita, autosomal recessive 5 (DKCB5). Identifiers: MedGen C3554656, MONDO:0014076, OMIM 615190.
Dyskeratosis congenita. Identifiers: Orphanet 1775, MedGen C0265965, MONDO:0015780.

Allele frequency attached by ClinVar (database versions not stated): ExAC 0.00001; TOPMed 0.00001; ESP Exome Variant Server 0.00008.
gnomAD v4.1: 1 of 1,613,900 alleles (0.000062%); highest among the groups gnomAD compares: Non-Finnish European, 0.000085%; no homozygotes.

Submissions (3):

Natera, Inc.
Classification: Likely pathogenic for Dyskeratosis congenita. Last evaluated: 2025-12-16. Review status: criteria provided, single submitter. Criteria: Natera Variant Classification Schema (03/2026). Collection method: clinical testing. Allele origin: germline.
Comment: The c.190C>T variant in RTEL1 is a nonsense variant predicted to introduce a stop codon at amino acid 64. This variant is expected to result in nonsense mediated decay, truncation, or a dysfunctional protein product. This variant is rare in the general population with a frequency below the threshold expected for the associated phenotype(s). Given the available evidence, this variant is classified as Likely Pathogenic.

Labcorp Genetics (formerly Invitae), Labcorp
Classification: Pathogenic for Dyskeratosis congenita, autosomal recessive 5; Pulmonary fibrosis and/or bone marrow failure, Telomere-related, 3. Last evaluated: 2023-12-05. Review status: criteria provided, single submitter. Criteria: Invitae Variant Classification Sherloc (09022015). Collection method: clinical testing. Allele origin: germline.
Comment: This sequence change creates a premature translational stop signal (p.Arg64*) in the RTEL1 gene. It is expected to result in an absent or disrupted protein product. Loss-of-function variants in RTEL1 are known to be pathogenic (PMID: 23453664, 23959892, 25607374). This variant is not present in population databases (gnomAD no frequency). This premature translational stop signal has been observed in individual(s) with clinical features of RTEL1-related conditions (PMID: 27577878). ClinVar contains an entry for this variant (Variation ID: 1338484). Algorithms developed to predict the effect of sequence changes on RNA splicing suggest that this variant may disrupt the consensus splice site. For these reasons, this variant has been classified as Pathogenic.

Genetic Services Laboratory, University of Chicago
Classification: Likely pathogenic. Last evaluated: 2019-02-14. Review status: criteria provided, single submitter. Criteria: ACMG Guidelines, 2015. Collection method: clinical testing. Allele origin: germline. Affected: yes.
Comment: DNA sequence analysis of the RTEL1 gene demonstrated a sequence change, c.190C>T, which results in the creation of a premature stop codon at amino acid position 64, p.Arg64*. This sequence change is predicted to result in an abnormal transcript, which may be degraded, or may lead to the production of a truncated RTEL1 protein with potentially abnormal function.

Literature cited by the submitters: PubMed 23453664 (cited by Labcorp Genetics (formerly Invitae), Labcorp); PubMed 23959892 (cited by Labcorp Genetics (formerly Invitae), Labcorp); PubMed 25607374 (cited by Labcorp Genetics (formerly Invitae), Labcorp); PubMed 27577878 (cited by Labcorp Genetics (formerly Invitae), Labcorp).

NM_001283009.2(RTEL1):c.190C>T (p.Arg64Ter)

Genes: RTEL1-TNFRSF6B (RTEL1-TNFRSF6B readthrough (NMD candidate); plus strand), RTEL1 (regulator of telomere elongation helicase 1; plus strand). Cytogenetic location: 20q13.33.
Variant type: single nucleotide variant.
Coding change: c.190C>T on transcript NM_001283009.2 (MANE Select); coding-DNA position 190, C replaced by T.
Protein change: p.Arg64Ter; replaces arginine 64 with a stop codon.
Molecular consequence: nonsense. On other transcripts: non-coding transcript variant (1), 5 prime UTR variant (1).
Genome position (GRCh38, 1-based): chr20:63,661,385, C>T. VCF-style: chr20-63661385-C-T. GRCh37 (hg19) VCF-style: chr20-62292738-C-T.
Other names: c.-480C>T (NM_001283010.1); c.190C>T, p.Arg64Ter (NM_016434.4, NM_032957.5); short protein forms R64*.
Identifiers: ClinVar variation 1338484 (VCV001338484.8), dbSNP rs368311594, ClinGen allele CA9964133.
Genomic context (GRCh38, chr20:63,661,385, plus strand): 5'-ACGGGTACAGGGAAGACGCTGTGCCTGCTGTGCACCACGCTGGCCTGGCGAGAACACCTC[C>T]GAGACGGCATCTCTGCCCGCAAGATTGCCGAGAGGGCGCAAGGAGAGCTTTTCCCGGATC-3'